The following is an entry in ClinVar:

NM_000548.5(TSC2):c.3976A>G (p.Met1326Val)

Gene: TSC2 (TSC complex subunit 2; plus strand). Cytogenetic location: 16p13.3.
Variant type: single nucleotide variant.
Coding change: c.3976A>G on transcript NM_000548.5 (MANE Select); coding-DNA position 3976, A replaced by G.
Protein change: p.Met1326Val; replaces methionine 1326 with valine.
Molecular consequence: missense variant.
Genome position (GRCh38, 1-based): chr16:2,083,787, A>G. VCF-style: chr16-2083787-A-G. GRCh37 (hg19) VCF-style: chr16-2133788-A-G.
Other names: c.3904A>G, p.Met1302Val (NM_001406664.1); c.3898A>G, p.Met1300Val (NM_001406665.1); c.3868A>G, p.Met1290Val (NM_001406667.1); c.3865A>G, p.Met1289Val (NM_001406668.1); c.3796A>G, p.Met1266Val (NM_001406670.1); c.3766A>G, p.Met1256Val (NM_001406671.1); c.3763A>G, p.Met1255Val (NM_001406673.1); c.3760A>G, p.Met1254Val (NM_001406675.1); and 26 more; short protein forms M1060V, M1082V, M1106V, M1126V, M1210V, M1222V, M1259V, M1260V.
Identifiers: ClinVar variation 1736649 (VCV001736649.12), dbSNP rs2151513326, ClinGen allele CA394297572.

ClinVar aggregate classification (germline): Conflicting classifications of pathogenicity. Review status: criteria provided, conflicting classifications (1 of 4 stars). 3 submissions from 3 submitters: Uncertain significance (2); Likely benign (1). Last evaluated 2025-09-01.

Conditions:
Hereditary cancer-predisposing syndrome. Also called: Hereditary neoplastic syndrome; Tumor predisposition; Neoplastic Syndromes, Hereditary; Hereditary Cancer Syndrome. Identifiers: Orphanet 140162, MedGen C0027672, MeSH D009386, MONDO:0015356.
Tuberous sclerosis 2 (TSC2). Identifiers: Orphanet 805, MedGen C1860707, MONDO:0013199, OMIM 613254.

Allele frequency attached by ClinVar (database versions not stated): gnomAD exomes below 0.00001.

Submissions (3):

CeGaT Center for Human Genetics Tuebingen
Classification: Uncertain significance. Last evaluated: 2025-09-01. Review status: criteria provided, single submitter. Criteria: CeGaT Center For Human Genetics Tuebingen Variant Classification Criteria Version 2. Collection method: clinical testing. Allele origin: germline. Affected: yes. Observed: 1 variant allele.
Comment: TSC2: PM2, BP4

Labcorp Genetics (formerly Invitae), Labcorp
Classification: Uncertain significance for Tuberous sclerosis 2. Last evaluated: 2023-10-04. Review status: criteria provided, single submitter. Criteria: Invitae Variant Classification Sherloc (09022015). Collection method: clinical testing. Allele origin: germline.
Comment: This sequence change replaces methionine, which is neutral and non-polar, with valine, which is neutral and non-polar, at codon 1326 of the TSC2 protein (p.Met1326Val). This variant is not present in population databases (gnomAD no frequency). This variant has not been reported in the literature in individuals affected with TSC2-related conditions. ClinVar contains an entry for this variant (Variation ID: 1736649). Advanced modeling of protein sequence and biophysical properties (such as structural, functional, and spatial information, amino acid conservation, physicochemical variation, residue mobility, and thermodynamic stability) performed at Invitae indicates that this missense variant is not expected to disrupt TSC2 protein function. In summary, the available evidence is currently insufficient to determine the role of this variant in disease. Therefore, it has been classified as a Variant of Uncertain Significance.

Ambry Genetics
Classification: Likely benign for Hereditary cancer-predisposing syndrome. Last evaluated: 2022-02-04. Review status: criteria provided, single submitter. Criteria: Ambry Variant Classification Scheme 2023. Collection method: clinical testing. Allele origin: germline.